The following is an entry in ClinVar:

NM_001267550.2(TTN):c.55399C>T (p.Gln18467Ter)

Genes: TTN (titin; minus strand), TTN-AS1 (TTN antisense RNA 1; plus strand). Cytogenetic location: 2q31.2.
Variant type: single nucleotide variant.
Coding change: c.55399C>T on transcript NM_001267550.2 (MANE Select); coding-DNA position 55399, C replaced by T.
Protein change: p.Gln18467Ter; replaces glutamine 18467 with a stop codon.
Molecular consequence: nonsense.
Genome position (GRCh38, 1-based): chr2:178,601,691, G>A on the plus strand (C>T on the coding strand, the complement: TTN is on the minus strand). VCF-style: chr2-178601691-G-A. GRCh37 (hg19) VCF-style: chr2-179466418-G-A.
Other names: c.50476C>T, p.Gln16826Ter (NM_001256850.1); c.28204C>T, p.Gln9402Ter (NM_003319.4); c.47695C>T, p.Gln15899Ter (NM_133378.4); c.28579C>T, p.Gln9527Ter (NM_133432.3); c.28780C>T, p.Gln9594Ter (NM_133437.4); short protein forms Q18467*, Q9402*, Q9527*, Q16826*, Q15899*, Q9594*.
Identifiers: ClinVar variation 1466347 (VCV001466347.9), dbSNP rs2154193077, ClinGen allele CA349541723.
Genomic context (GRCh38, chr2:178,601,691, plus strand): 5'-TGTAGCAACTTTCAAAGTCTTTCTTACCCATGACTTTAACTCTGCAATTTGCAGTCTTTT[G>A]TCCTGCTTTATTCTTGGCTGTGATGCTGTATTTGCCTGTATGAGATCGTTTACACTCCGG-3'

ClinVar aggregate classification (germline): Likely pathogenic. Review status: criteria provided, multiple submitters, no conflicts (2 of 4 stars). 2 submissions from 2 submitters: Likely pathogenic (2). Last evaluated 2026-01-24.

Conditions:
Cardiovascular phenotype. Identifiers: MedGen CN230736.
Dilated cardiomyopathy 1G (CMD1G). Identifiers: Orphanet 154, MedGen C1858763, MONDO:0011400, OMIM 604145.
Autosomal recessive limb-girdle muscular dystrophy type 2J (LGMDR10). Also called: Limb-girdle muscular dystrophy, type 2J; MUSCULAR DYSTROPHY, LIMB-GIRDLE, AUTOSOMAL RECESSIVE 10. Identifiers: Orphanet 140922, MedGen C1837342, MONDO:0012127, OMIM 608807.

Submissions (2):

Labcorp Genetics (formerly Invitae), Labcorp
Classification: Likely pathogenic for Dilated cardiomyopathy 1G; Autosomal recessive limb-girdle muscular dystrophy type 2J. Last evaluated: 2026-01-24. Review status: criteria provided, single submitter. Criteria: Invitae Variant Classification Sherloc (09022015). Collection method: clinical testing. Allele origin: germline.
Comment: This sequence change creates a premature translational stop signal (p.Gln18467*) in the TTN gene. While this is not anticipated to result in nonsense mediated decay, it is expected to create a truncated TTN protein. This variant is not present in population databases (gnomAD no frequency). This premature translational stop signal has been observed in individual(s) with dilated cardiomyopathy (internal data). ClinVar contains an entry for this variant (Variation ID: 1466347). This variant is located in the A band of TTN (PMID: 25589632). Truncating variants in this region are significantly overrepresented in patients affected with dilated cardiomyopathy (PMID: 25589632). Truncating variants in this region have also been reported in individuals affected with autosomal recessive centronuclear myopathy (PMID: 23975875). In summary, the currently available evidence indicates that the variant is pathogenic, but additional data are needed to prove that conclusively. Therefore, this variant has been classified as Likely Pathogenic.

Ambry Genetics
Classification: Likely pathogenic for Cardiovascular phenotype. Last evaluated: 2025-04-23. Review status: criteria provided, single submitter. Criteria: Ambry Variant Classification Scheme 2023. Collection method: clinical testing. Allele origin: germline.
Comment: The p.Q9402* variant (also known as c.28204C>T), located in coding exon 113 of the TTN gene, results from a C to T substitution at nucleotide position 28204. This changes the amino acid from a glutamine to a stop codon within coding exon 113. This exon is located in the A-band region of the N2-B isoform of the titin protein and is constitutively expressed in TTN transcripts (percent spliced in or PSI 100%). This variant is expected to result in loss of function by premature protein truncation or nonsense-mediated mRNA decay. While truncating variants in TTN are present in 1-3% of the general population, truncating variants in the A-band are the most common cause of dilated cardiomyopathy (Herman DS et al. N. Engl. J. Med., 2012 Feb;366:619-28; Roberts AM et al. Sci Transl Med, 2015 Jan;7:270ra6). TTN truncating variants encoded in constitutive exons (PSI >90%) have been found to be significantly associated with DCM regardless of their position in titin (Schafer S et al. Nat. Genet., 2017 01;49:46-53; Akhtar MM et al. Circ Heart Fail, 2020 Oct;13:e006832; Massier M et al. Clin Genet, 2025 Jan). This variant is considered to be rare based on population cohorts in the Genome Aggregation Database (gnomAD). Based on the majority of available evidence to date, this variant is likely to be pathogenic.

Literature cited by the submitters: PubMed 25589632 (cited by Labcorp Genetics (formerly Invitae), Labcorp); PubMed 23975875 (cited by Labcorp Genetics (formerly Invitae), Labcorp).